The following is an entry in ClinVar:

ClinVar aggregate classification (germline): Uncertain significance. Review status: criteria provided, multiple submitters, no conflicts (2 of 4 stars). 3 submissions from 3 submitters: Uncertain significance (3). Last evaluated 2024-08-07.

Conditions:
Hereditary cancer-predisposing syndrome. Also called: Hereditary Cancer Syndrome; Neoplastic Syndromes, Hereditary; Tumor predisposition; Hereditary neoplastic syndrome. Identifiers: Orphanet 140162, MedGen C0027672, MeSH D009386, MONDO:0015356.

gnomAD v4.1: 1 of 1,613,984 alleles (0.000062%); highest among the groups gnomAD compares: Non-Finnish European, 0.000085%; no homozygotes.

Submissions (3):

GeneDx
Classification: Uncertain significance. Last evaluated: 2024-08-07. Review status: criteria provided, single submitter. Criteria: GeneDx Variant Classification Process June 2021. Collection method: clinical testing. Allele origin: germline. Affected: yes.
Comment: Not observed at significant frequency in large population cohorts (gnomAD); In silico analysis supports that this missense variant has a deleterious effect on protein structure/function; Has not been previously published as pathogenic or benign to our knowledge; This variant is associated with the following publications: (PMID: 18199528)

Ambry Genetics
Classification: Uncertain significance for Hereditary cancer-predisposing syndrome. Last evaluated: 2024-06-13. Review status: criteria provided, single submitter. Criteria: Ambry Variant Classification Scheme 2023. Collection method: clinical testing. Allele origin: germline.
Comment: The p.G2227S variant (also known as c.6679G>A), located in coding exon 15 of the APC gene, results from a G to A substitution at nucleotide position 6679. The glycine at codon 2227 is replaced by serine, an amino acid with similar properties. This amino acid position is highly conserved in available vertebrate species. In addition, in silico predictors for this gene do not accurately predict pathogenicity. Since supporting evidence is limited at this time, the clinical significance of this alteration remains unclear.

Color Diagnostics, LLC DBA Color Health
Classification: Uncertain significance for Hereditary cancer-predisposing syndrome. Last evaluated: 2019-03-25. Review status: criteria provided, single submitter. Criteria: ACMG Guidelines, 2015. Collection method: clinical testing. Allele origin: germline.

NM_000038.6(APC):c.6679G>A (p.Gly2227Ser)

Gene: APC (APC regulator of Wnt signaling pathway; plus strand). Cytogenetic location: 5q22.2.
Variant type: single nucleotide variant.
Coding change: c.6679G>A on transcript NM_000038.6 (MANE Select); coding-DNA position 6679, G replaced by A.
Protein change: p.Gly2227Ser; replaces glycine 2227 with serine.
Molecular consequence: missense variant.
Genome position (GRCh38, 1-based): chr5:112,842,273, G>A. VCF-style: chr5-112842273-G-A. GRCh37 (hg19) VCF-style: chr5-112177970-G-A.
Other names: c.6679G>A, p.Gly2227Ser (NM_001127510.3, NM_001354895.2); c.6625G>A, p.Gly2209Ser (NM_001127511.3); c.6733G>A, p.Gly2245Ser (NM_001354896.2); c.6709G>A, p.Gly2237Ser (NM_001354897.2); c.6604G>A, p.Gly2202Ser (NM_001354898.2); c.6595G>A, p.Gly2199Ser (NM_001354899.2); c.6556G>A, p.Gly2186Ser (NM_001354900.2); c.6502G>A, p.Gly2168Ser (NM_001354901.2); and 5 more; short protein forms G2209S, G2227S, G1944S, G2126S, G2168S, G2199S, G2237S, G2202S.
Identifiers: ClinVar variation 490341 (VCV000490341.8), dbSNP rs367905430, ClinGen allele CA16035935.